The following is an entry in ClinVar:

NM_015570.4(AUTS2):c.2075del (p.Gly692fs)

Gene: AUTS2 (activator of transcription and developmental regulator AUTS2; plus strand). Cytogenetic location: 7q11.22.
Variant type: Deletion.
Coding change: c.2075del on transcript NM_015570.4 (MANE Select); coding-DNA position 2075, one base deleted (G; older notation c.2075delG).
Protein change: p.Gly692fs; shifts the reading frame from glycine 692.
Molecular consequence: frameshift variant.
Genome position (GRCh38, 1-based): chr7:70,781,685, G deleted; the last of 2 consecutive G bases (chr7:70,781,684-70,781,685); deleting either gives the same sequence. VCF-style (leftmost placement, unchanged base first): chr7-70781683-AG-A. GRCh37 (hg19) VCF-style: chr7-70246669-AG-A.
Other names: c.2003del, p.Gly668fs (NM_001127231.3); short protein forms G692fs, G668fs.
Identifiers: ClinVar variation 2541817 (VCV002541817.2), dbSNP rs2484861866, ClinGen allele CA2580615899.

ClinVar aggregate classification (germline): Pathogenic (1 of 4 stars; one submission).

Conditions:
Inborn genetic diseases. Identifiers: MedGen C0950123, MeSH D030342.

Submission:

Ambry Genetics
Classification: Pathogenic for Inborn genetic diseases. Last evaluated: 2023-05-30. Review status: criteria provided, single submitter. Criteria: Ambry Variant Classification Scheme 2023. Collection method: clinical testing. Allele origin: germline.
Comment: The c.2075delG (p.G692Afs*50) alteration, located in coding exon 15 of the AUTS2 gene, consists of a deletion of one nucleotide at position 2075, causing a translational frameshift with a predicted alternate stop codon after 50 amino acids. This alteration is expected to result in loss of function by premature protein truncation or nonsense-mediated mRNA decay. This variant was not reported in population-based cohorts in the Genome Aggregation Database (gnomAD). Based on the available evidence, this alteration is classified as pathogenic.